The following is an entry in ClinVar:

NM_181776.3(SLC36A2):c.721A>T (p.Ile241Phe)

Gene: SLC36A2 (solute carrier family 36 member 2; minus strand). Cytogenetic location: 5q33.1.
Variant type: single nucleotide variant.
Coding change: c.721A>T on transcript NM_181776.3 (MANE Select); coding-DNA position 721, A replaced by T.
Protein change: p.Ile241Phe; replaces isoleucine 241 with phenylalanine.
Molecular consequence: missense variant.
Genome position (GRCh38, 1-based): chr5:151,335,352, T>A on the plus strand (A>T on the coding strand, the complement: SLC36A2 is on the minus strand). VCF-style: chr5-151335352-T-A. GRCh37 (hg19) VCF-style: chr5-150714913-T-A.
Other names: short protein forms I241F.
Identifiers: ClinVar variation 2388965 (VCV002388965.3), dbSNP rs765872409, ClinGen allele CA3518772.
Genomic context (GRCh38, chr5:151,335,352, plus strand): 5'-GCCCAGTGGAGTGGGCAGGTGCATGGTGTGCACTCACCTGGGTAATGTACTGTATGATGA[T>A]GACCAAGCTGACCAGCATGCTGATGTTGGCCAGCATGGAGAAGATGGTCAAGATCCTGAG-3'
Protein context (NP_861441.2, residues 231-251): ANISMLVSLV[Ile241Phe]IIQYITQEIP

ClinVar aggregate classification (germline): Uncertain significance. Review status: criteria provided, multiple submitters, no conflicts (2 of 4 stars). 2 submissions from 2 submitters: Uncertain significance (2). Last evaluated 2025-11-18.

Allele frequency attached by ClinVar (database versions not stated): gnomAD 0.00001; TOPMed below 0.00001; ExAC 0.00001.
gnomAD v4.1: 32 of 1,613,410 alleles (0.002%); highest among the groups gnomAD compares: Admixed American, 0.0033%; no homozygotes.

Submissions (2):

Labcorp Genetics (formerly Invitae), Labcorp
Classification: Uncertain significance. Last evaluated: 2025-11-18. Review status: criteria provided, single submitter. Criteria: Invitae Variant Classification Sherloc (09022015). Collection method: clinical testing. Allele origin: germline.
Comment: This sequence change replaces isoleucine, which is neutral and non-polar, with phenylalanine, which is neutral and non-polar, at codon 241 of the SLC36A2 protein (p.Ile241Phe). This variant is present in population databases (rs765872409, gnomAD 0.003%). This variant has not been reported in the literature in individuals affected with SLC36A2-related conditions. ClinVar contains an entry for this variant (Variation ID: 2388965). Invitae Evidence Modeling of protein sequence and biophysical properties (such as structural, functional, and spatial information, amino acid conservation, physicochemical variation, residue mobility, and thermodynamic stability) indicates that this missense variant is not expected to disrupt SLC36A2 protein function with a negative predictive value of 80%. In summary, the available evidence is currently insufficient to determine the role of this variant in disease. Therefore, it has been classified as a Variant of Uncertain Significance.

Ambry Genetics
Classification: Uncertain significance. Last evaluated: 2021-09-27. Review status: criteria provided, single submitter. Criteria: Ambry Variant Classification Scheme 2023. Collection method: clinical testing. Allele origin: germline.